The following is an entry in ClinVar:

ClinVar aggregate classification (germline): Uncertain significance (1 of 4 stars; one submission).

Conditions:
Neurofibromatosis, type 1 (NF1). Also called: Peripheral type neurofibromatosis; VON RECKLINGHAUSEN DISEASE; Neurofibromatosis, type I; NEUROFIBROMATOSIS, TYPE I, SOMATIC. Identifiers: Orphanet 636, MedGen C0027831, MONDO:0018975, OMIM 162200. Disease mechanism: loss of function.

Allele frequency attached by ClinVar (database versions not stated): gnomAD exomes below 0.00001.
gnomAD v4.1: 1 of 1,614,140 alleles (0.000062%); highest among the groups gnomAD compares: Non-Finnish European, 0.000085%; no homozygotes.

Submission:

Labcorp Genetics (formerly Invitae), Labcorp
Classification: Uncertain significance for Neurofibromatosis, type 1. Last evaluated: 2024-02-07. Review status: criteria provided, single submitter. Criteria: Invitae Variant Classification Sherloc (09022015). Collection method: clinical testing. Allele origin: germline.
Comment: This sequence change replaces glutamine, which is neutral and polar, with histidine, which is basic and polar, at codon 2303 of the NF1 protein (p.Gln2303His). This variant is not present in population databases (gnomAD no frequency). This variant has not been reported in the literature in individuals affected with NF1-related conditions. Advanced modeling of protein sequence and biophysical properties (such as structural, functional, and spatial information, amino acid conservation, physicochemical variation, residue mobility, and thermodynamic stability) performed at Invitae indicates that this missense variant is expected to disrupt NF1 protein function with a positive predictive value of 80%. In summary, the available evidence is currently insufficient to determine the role of this variant in disease. Therefore, it has been classified as a Variant of Uncertain Significance.

NM_001042492.3(NF1):c.6972G>C (p.Gln2324His)

Gene: NF1 (neurofibromin 1; plus strand). Cytogenetic location: 17q11.2.
Variant type: single nucleotide variant.
Coding change: c.6972G>C on transcript NM_001042492.3 (MANE Select); coding-DNA position 6972, G replaced by C.
Protein change: p.Gln2324His; replaces glutamine 2324 with histidine.
Molecular consequence: missense variant.
Genome position (GRCh38, 1-based): chr17:31,340,555, G>C. VCF-style: chr17-31340555-G-C. GRCh37 (hg19) VCF-style: chr17-29667573-G-C.
Other names: c.6909G>C, p.Gln2303His (NM_000267.4); short protein forms Q2303H, Q2324H.
Identifiers: ClinVar variation 2694275 (VCV002694275.3), dbSNP rs1555535169, ClinGen allele CA399014944.